The following is an entry in ClinVar:

NM_001853.4(COL9A3):c.700C>G (p.Arg234Gly)

Gene: COL9A3 (collagen type IX alpha 3 chain; plus strand). Cytogenetic location: 20q13.33.
Variant type: single nucleotide variant.
Coding change: c.700C>G on transcript NM_001853.4 (MANE Select); coding-DNA position 700, C replaced by G.
Protein change: p.Arg234Gly; replaces arginine 234 with glycine.
Molecular consequence: missense variant.
Genome position (GRCh38, 1-based): chr20:62,826,219, C>G. VCF-style: chr20-62826219-C-G. GRCh37 (hg19) VCF-style: chr20-61457571-C-G.
Other names: c.700C>G (NM_001853.3); short protein forms R234G.
Identifiers: ClinVar variation 1509094 (VCV001509094.9), dbSNP rs1027769042, ClinGen allele CA317331022.
Genomic context (GRCh38, chr20:62,826,219, plus strand): 5'-TGGAGGTGCAGCCCCAGCCTCTGCATCTGTGCCTCTCTCTCGCAGGGCCCCCGGGGATTA[C>G]GAGGACTGCCAGGGCCACTCGGGCCCCCTGGGGACCGGGTAAGTCCTGCAGCCCCTAGTG-3'
Protein context (NP_001844.3, residues 224-244): SVGLQGPRGL[Arg234Gly]GLPGPLGPPG

ClinVar aggregate classification (germline): Uncertain significance. Review status: criteria provided, multiple submitters, no conflicts (2 of 4 stars). 3 submissions from 3 submitters: Uncertain significance (3). Last evaluated 2025-10-26.

Conditions:
Inborn genetic diseases. Identifiers: MedGen C0950123, MeSH D030342.

Allele frequency attached by ClinVar (database versions not stated): TOPMed 0.00001; gnomAD 0.00004.

Submissions (3):

Labcorp Genetics (formerly Invitae), Labcorp
Classification: Uncertain significance. Last evaluated: 2025-10-26. Review status: criteria provided, single submitter. Criteria: Invitae Variant Classification Sherloc (09022015). Collection method: clinical testing. Allele origin: germline.
Comment: This sequence change replaces arginine, which is basic and polar, with glycine, which is neutral and non-polar, at codon 234 of the COL9A3 protein (p.Arg234Gly). The frequency data for this variant in the population databases is considered unreliable, as metrics indicate poor data quality at this position in the gnomAD database. This variant has not been reported in the literature in individuals affected with COL9A3-related conditions. ClinVar contains an entry for this variant (Variation ID: 1509094). Invitae Evidence Modeling of protein sequence and biophysical properties (such as structural, functional, and spatial information, amino acid conservation, physicochemical variation, residue mobility, and thermodynamic stability) indicates that this missense variant is not expected to disrupt COL9A3 protein function with a negative predictive value of 95%. In summary, the available evidence is currently insufficient to determine the role of this variant in disease. Therefore, it has been classified as a Variant of Uncertain Significance.

GeneDx
Classification: Uncertain significance. Last evaluated: 2024-05-28. Review status: criteria provided, single submitter. Criteria: GeneDx Variant Classification Process June 2021. Collection method: clinical testing. Allele origin: germline. Affected: yes.
Comment: Has not been previously published as pathogenic or benign to our knowledge; Not observed at significant frequency in large population cohorts (gnomAD); In silico analysis supports that this missense variant has a deleterious effect on protein structure/function

Ambry Genetics
Classification: Uncertain significance for Inborn genetic diseases. Last evaluated: 2022-10-03. Review status: criteria provided, single submitter. Criteria: Ambry Variant Classification Scheme 2023. Collection method: clinical testing. Allele origin: germline.